The following is an entry in ClinVar:

NM_001080467.3(MYO5B):c.756+6_756+7inv

Gene: MYO5B (myosin VB; minus strand). Cytogenetic location: 18q21.1.
Variant type: Inversion.
Coding change: c.756+6_756+7inv on transcript NM_001080467.3 (MANE Select).
Molecular consequence: intron variant.
Genome position: GRCh38 VCF-style: chr18-49992281-CA-TG. GRCh37 (hg19) VCF-style: chr18-47518651-CA-TG.
Identifiers: ClinVar variation 3607918 (VCV003607918.2).
Genomic context (GRCh38, chr18:49,992,281, plus strand): 5'-GCAGGGAGCAGAAGTAAGGTAATTGTCCATGAGAAATACACAAAAGGGCGCAAATCCTCC[CA>TG]CTCACCTGGAAGACCACTCTGGACTTCTCCAAGAGGTAAGTCCTCATGTTGGCCCCGATG-3'

ClinVar aggregate classification (germline): Uncertain significance (1 of 4 stars; one submission).

Submission:

Labcorp Genetics (formerly Invitae), Labcorp
Classification: Uncertain significance. Last evaluated: 2024-06-12. Review status: criteria provided, single submitter. Criteria: Invitae Variant Classification Sherloc (09022015). Collection method: clinical testing. Allele origin: germline.
Comment: This sequence change falls in intron 6 of the MYO5B gene. It does not directly change the encoded amino acid sequence of the MYO5B protein. It affects a nucleotide within the consensus splice site. Information on the frequency of this variant in the gnomAD database is not available, as this variant may be reported differently in the database. This variant has not been reported in the literature in individuals affected with MYO5B-related conditions. Variants that disrupt the consensus splice site are a relatively common cause of aberrant splicing (PMID: 17576681, 9536098). Experimental studies and prediction algorithms are not available or were not evaluated, and the effect of this variant on mRNA splicing is currently unknown. In summary, the available evidence is currently insufficient to determine the role of this variant in disease. Therefore, it has been classified as a Variant of Uncertain Significance.

Literature cited by the submitters: PubMed 17576681; PubMed 9536098.